The following is an entry in ClinVar:

NM_000719.7(CACNA1C):c.2876T>C (p.Leu959Ser)

Gene: CACNA1C (calcium voltage-gated channel subunit alpha1 C; plus strand). Cytogenetic location: 12p13.33.
Variant type: single nucleotide variant.
Coding change: c.2876T>C on transcript NM_000719.7 (MANE Select); coding-DNA position 2876, T replaced by C.
Protein change: p.Leu959Ser; replaces leucine 959 with serine.
Molecular consequence: missense variant.
Genome position (GRCh38, 1-based): chr12:2,601,876, T>C. VCF-style: chr12-2601876-T-C. GRCh37 (hg19) VCF-style: chr12-2711042-T-C.
Other names: p.Leu978Ser; c.2876T>C, p.Leu959Ser (NM_001129835.2, NM_001129836.2, NM_001129837.2 and 15 more transcripts); c.2936T>C, p.Leu979Ser (NM_001129827.2, NM_001129832.2, NM_199460.4); c.2867T>C, p.Leu956Ser (NM_001129844.2); short protein forms L956S, L959S, L979S.
Identifiers: ClinVar variation 4871890 (VCV004871890.1).

ClinVar aggregate classification (germline): Uncertain significance (1 of 4 stars; one submission).

Conditions:
Timothy syndrome (TS). Also called: LONG QT SYNDROME WITH SYNDACTYLY. Identifiers: Orphanet 65283, MedGen C1832916, MeSH C536962, MONDO:0010979, OMIM 601005.

Submission:

Centre for Mendelian Genomics, University Medical Centre Ljubljana
Classification: Uncertain significance for Timothy syndrome. Last evaluated: 2026-07-22. Review status: criteria provided, single submitter. Criteria: ACMG Guidelines, 2015. Collection method: clinical testing. Allele origin: germline. Affected: yes. Observed: 1 variant allele.
Comment: Whole exome sequencing indicated the presence of a heterozygous missense variant of uncertain significance in the CACNA1C gene. Pathogenic heterozygous variants in CACNA1C are an established cause of Long QT syndrome or Timothy syndrome (OMIM:601005). The identified variant has not previously been reported in association with disease in humans. However, further arguments strongly favor a pathogenic role: (1) absence from control populations in the gnomAD project [PM2]; (2) in silico pathogenicity predictors uniformly predict the variant as pathogenic, with 12 pathogenic predictions (BayesDel_addAF, DANN, DEOGEN2, EIGEN, FATHMM-MKL, M-CAP, MVP, MutationAssessor, MutationTaster, PrimateAI, REVEL, and SIFT) and no benign predictions [PP3]; (3) a missense variant at a nearby codon (p.Val979Met) has previously been reported as a variant of uncertain significance (phenotype not provided, ClinVar ID:546247); (4) the variant is located near a cluster of missense variants in transmembrane linker segments previously reported in association with long QT syndrome (PMID:27390944); and (5) concordance with the clinical presentation in the proband. Based on the available evidence, we classify the variant as a variant of uncertain significance.

Literature cited by the submitters: PubMed 27390944.